The following is an entry in ClinVar:

ClinVar aggregate classification (germline): Uncertain significance. Review status: criteria provided, multiple submitters, no conflicts (2 of 4 stars). 3 submissions from 3 submitters: Uncertain significance (2). 1 of the submissions does not count toward it. Last evaluated 2024-10-29.

Conditions:
Familial cancer of breast. Also called: BREAST CANCER, FAMILIAL; Hereditary breast cancer; hereditary breast carcinoma. Identifiers: Orphanet 227535, MedGen C0346153, MONDO:0016419, OMIM 114480. Disease mechanism: loss of function.
Hereditary cancer-predisposing syndrome. Also called: Neoplastic Syndromes, Hereditary; Tumor predisposition; Hereditary Cancer Syndrome; Hereditary neoplastic syndrome. Identifiers: Orphanet 140162, MedGen C0027672, MeSH D009386, MONDO:0015356.

Allele frequency attached by ClinVar (database versions not stated): TOPMed below 0.00001.

Submissions (3):

Ambry Genetics
Classification: Uncertain significance for Hereditary cancer-predisposing syndrome. Last evaluated: 2024-10-29. Review status: criteria provided, single submitter. Criteria: Ambry Variant Classification Scheme 2023. Collection method: clinical testing. Allele origin: germline.
Comment: The c.8953+5G>T intronic variant results from a G to T substitution 5 nucleotides after coding exon 21 in the BRCA2 gene. This variant was reported (as IVS22+5G>T) in one Japanese family with two cases of early onset breast cancer (Katagiri T et al. J. Hum. Genet., 1998;43:42-8). This nucleotide position is highly conserved in available vertebrate species. In silico splice site analysis predicts that this alteration will not have any significant effect on splicing. Based on the available evidence, the clinical significance of this variant remains unclear.

GeneDx
Classification: Uncertain significance. Last evaluated: 2023-03-08. Review status: criteria provided, single submitter. Criteria: GeneDx Variant Classification Process June 2021. Collection method: clinical testing. Allele origin: germline. Affected: yes.
Comment: Not observed at significant frequency in large population cohorts (gnomAD); In silico analysis supports that this variant does not alter splicing; Observed in a family with two cases of breast cancer (Katagiri et al., 1998); Also known as 9181+5G>T; This variant is associated with the following publications: (PMID: 9609997)

ClinVar Staff, National Center for Biotechnology Information (NCBI)
No classification provided. Condition: Familial cancer of breast. Review status: no classification provided. Collection method: literature only. Allele origin: germline. Affected: yes. Not counted in ClinVar's aggregate classification.

Literature cited by the submitters: PubMed 9609997 (cited by Ambry Genetics and ClinVar Staff, National Center for Biotechnology Information (NCBI)).

NM_000059.4(BRCA2):c.8953+5G>T

Gene: BRCA2 (BRCA2 DNA repair associated; plus strand). Cytogenetic location: 13q13.1.
Variant type: single nucleotide variant.
Coding change: c.8953+5G>T on transcript NM_000059.4 (MANE Select); 5 bases into the intron after coding-DNA position 8953, G replaced by T.
Molecular consequence: intron variant.
Genome position (GRCh38, 1-based): chr13:32,379,520, G>T. VCF-style: chr13-32379520-G-T. GRCh37 (hg19) VCF-style: chr13-32953657-G-T.
Identifiers: ClinVar variation 52710 (VCV000052710.8), dbSNP rs397508023, ClinGen allele CA025891.